The following is an entry in ClinVar:

NM_000141.5(FGFR2):c.869G>C (p.Trp290Ser)

Gene: FGFR2 (fibroblast growth factor receptor 2; minus strand). Cytogenetic location: 10q26.13.
Variant type: single nucleotide variant.
Coding change: c.869G>C on transcript NM_000141.5 (MANE Select); coding-DNA position 869, G replaced by C.
Protein change: p.Trp290Ser; replaces tryptophan 290 with serine.
Molecular consequence: missense variant. On other transcripts: non-coding transcript variant (1), intron variant (1).
Genome position (GRCh38, 1-based): chr10:121,520,049, C>G on the plus strand (G>C on the coding strand, the complement: FGFR2 is on the minus strand). VCF-style: chr10-121520049-C-G. GRCh37 (hg19) VCF-style: chr10-123279563-C-G.
Other names: c.869G>C, p.Trp290Ser (NM_001144913.1, NM_001144917.2, NM_001320658.2 and 1 more transcripts); c.602G>C, p.Trp201Ser (NM_001144915.2, NM_001144919.2, NM_023029.3); c.524G>C, p.Trp175Ser (NM_001144916.2, NM_001144918.2); c.185G>C, p.Trp62Ser (NM_001320654.2); c.749-4730G>C (NM_001144914.1); short protein forms W290S, W62S, W201S, W175S.
Identifiers: ClinVar variation 374812 (VCV000374812.2), dbSNP rs1057519039, ClinGen allele CA16043916.

ClinVar aggregate classification (germline): Pathogenic (1 of 4 stars; one submission).

Conditions:
Crouzon syndrome. Also called: CRANIOFACIAL DYSOSTOSIS, TYPE I; Craniofacial dysostosis; Craniofacial dysostosis type 1; Crouzon craniofacial dysostosis; Crouzon disease. Identifiers: Orphanet 207, MedGen C0010273, MeSH D003394, MONDO:0007405, OMIM 123500, HP:0004439.

Submission:

Genomic Diagnostic Laboratory, Division of Genomic Diagnostics, Children's Hospital of Philadelphia
Classification: Pathogenic for Crouzon syndrome. Last evaluated: 2016-09-17. Review status: criteria provided, single submitter. Criteria: DGD Variant Analysis Guidelines. Collection method: clinical testing. Allele origin: germline. Affected: yes. Observed: 2 variant alleles.
Comment: Clinical Testing